The following is an entry in ClinVar:

NM_001009944.3(PKD1):c.6902T>G (p.Val2301Gly)

Gene: PKD1 (polycystin 1, transient receptor potential channel interacting; minus strand). Cytogenetic location: 16p13.3.
Variant type: single nucleotide variant.
Coding change: c.6902T>G on transcript NM_001009944.3 (MANE Select); coding-DNA position 6902, T replaced by G.
Protein change: p.Val2301Gly; replaces valine 2301 with glycine.
Molecular consequence: missense variant.
Genome position (GRCh38, 1-based): chr16:2,108,265, A>C on the plus strand (T>G on the coding strand, the complement: PKD1 is on the minus strand). VCF-style: chr16-2108265-A-C. GRCh37 (hg19) VCF-style: chr16-2158266-A-C.
Other names: c.6902T>G, p.Val2301Gly (NM_000296.4); short protein forms V2301G.
Identifiers: ClinVar variation 4992298 (VCV004992298.1).

ClinVar aggregate classification (germline): Uncertain significance (1 of 4 stars; one submission).

Conditions:
PKD1-related disorder. Also called: PKD1-related condition.

Submission:

PreventionGenetics, part of Exact Sciences
Classification: Uncertain significance for PKD1-related condition. Last evaluated: 2026-04-29. Review status: criteria provided, single submitter. Criteria: ACMG Guidelines, 2015. Collection method: clinical testing. Allele origin: germline.
Comment: The PKD1 c.6902T>G variant is predicted to result in the amino acid substitution p.Val2301Gly. To our knowledge, this variant has not been reported in the literature or in a large population database (gnomAD), indicating this variant is rare. At this time, the clinical significance of this variant is uncertain due to the absence of conclusive functional and genetic evidence.